The following is an entry in ClinVar:

ClinVar aggregate classification (germline): Uncertain significance. Review status: criteria provided, multiple submitters, no conflicts (2 of 4 stars). 2 submissions from 2 submitters: Uncertain significance (2). Last evaluated 2021-07-04.

Conditions:
Cardiovascular phenotype. Identifiers: MedGen CN230736.
Dilated cardiomyopathy 1JJ (CMD1JJ). Identifiers: Orphanet 154, MedGen C3808935, MONDO:0014095, OMIM 615235.

Allele frequency attached by ClinVar (database versions not stated): ExAC 0.00001; gnomAD 0.00001; gnomAD exomes 0.00001; 1000 Genomes Project 30x 0.00016; 1000 Genomes Project 0.00020.
gnomAD v4.1: 6 of 1,613,762 alleles (0.00037%); highest among the groups gnomAD compares: South Asian, 0.0044%; no homozygotes.

Submissions (2):

Ambry Genetics
Classification: Uncertain significance for Cardiovascular phenotype. Last evaluated: 2021-07-04. Review status: criteria provided, single submitter. Criteria: Ambry Variant Classification Scheme 2023. Collection method: clinical testing. Allele origin: germline.
Comment: The p.L705F variant (also known as c.2113C>T), located in coding exon 16 of the LAMA4 gene, results from a C to T substitution at nucleotide position 2113. The leucine at codon 705 is replaced by phenylalanine, an amino acid with highly similar properties. This amino acid position is conserved. In addition, this alteration is predicted to be tolerated by in silico analysis. Since supporting evidence is limited at this time, the clinical significance of this alteration remains unclear.

Labcorp Genetics (formerly Invitae), Labcorp
Classification: Uncertain significance for Dilated cardiomyopathy 1JJ. Last evaluated: 2019-06-28. Review status: criteria provided, single submitter. Criteria: Invitae Variant Classification Sherloc (09022015). Collection method: clinical testing. Allele origin: germline.
Comment: In summary, the available evidence is currently insufficient to determine the role of this variant in disease. Therefore, it has been classified as a Variant of Uncertain Significance. Algorithms developed to predict the effect of missense changes on protein structure and function are either unavailable or do not agree on the potential impact of this missense change (SIFT: "Deleterious"; PolyPhen-2: "Probably Damaging"; Align-GVGD: "Class C15"). This variant has not been reported in the literature in individuals with LAMA4-related conditions. This variant is present in population databases (rs562879510, ExAC 0.006%). This sequence change replaces leucine with phenylalanine at codon 705 of the LAMA4 protein (p.Leu705Phe). The leucine residue is highly conserved and there is a small physicochemical difference between leucine and phenylalanine.

NM_001105206.3(LAMA4):c.2134C>T (p.Leu712Phe)

Gene: LAMA4 (laminin subunit alpha 4; minus strand). Cytogenetic location: 6q21.
Variant type: single nucleotide variant.
Coding change: c.2134C>T on transcript NM_001105206.3 (MANE Select); coding-DNA position 2134, C replaced by T.
Protein change: p.Leu712Phe; replaces leucine 712 with phenylalanine.
Molecular consequence: missense variant.
Genome position (GRCh38, 1-based): chr6:112,150,550, G>A on the plus strand (C>T on the coding strand, the complement: LAMA4 is on the minus strand). VCF-style: chr6-112150550-G-A. GRCh37 (hg19) VCF-style: chr6-112471752-G-A.
Other names: c.2113C>T, p.Leu705Phe (NM_001105207.3, NM_002290.5); short protein forms L705F, L712F.
Identifiers: ClinVar variation 951181 (VCV000951181.12), dbSNP rs562879510, ClinGen allele CA3965581.